The following is an entry in ClinVar:

NM_021939.4(FKBP10):c.1004T>C (p.Met335Thr)

Gene: FKBP10 (FKBP prolyl isomerase 10; plus strand). Cytogenetic location: 17q21.2.
Variant type: single nucleotide variant.
Coding change: c.1004T>C on transcript NM_021939.4 (MANE Select); coding-DNA position 1004, T replaced by C.
Protein change: p.Met335Thr; replaces methionine 335 with threonine.
Molecular consequence: missense variant.
Genome position (GRCh38, 1-based): chr17:41,819,616, T>C. VCF-style: chr17-41819616-T-C. GRCh37 (hg19) VCF-style: chr17-39975868-T-C.
Other names: short protein forms M335T.
Identifiers: ClinVar variation 1310874 (VCV001310874.2), dbSNP rs781853286, ClinGen allele CA8566453.
Genomic context (GRCh38, chr17:41,819,616, plus strand): 5'-CCTATATCGGGCAGGGTTACATCATCCCCGGGATGGACCAGGGGCTGCAGGGTGCCTGCA[T>C]GGGGGAACGCCGGAGAATTACCATCCCCCCGCACCTCGCCTATGGGGAGAATGGAACTGG-3'
Protein context (NP_068758.3, residues 325-345): GMDQGLQGAC[Met335Thr]GERRRITIPP

ClinVar aggregate classification (germline): Uncertain significance (1 of 4 stars; one submission).

Allele frequency attached by ClinVar (database versions not stated): gnomAD exomes 0.00001; ExAC 0.00002; gnomAD 0.00003 and 0.00004; TOPMed 0.00004.
gnomAD v4.1: 14 of 1,613,428 alleles (0.00087%); highest among the groups gnomAD compares: African/African-American, 0.0053%; no homozygotes.

Submission:

GeneDx
Classification: Uncertain significance. Last evaluated: 2019-12-02. Review status: criteria provided, single submitter. Criteria: GeneDx Variant Classification Process June 2021. Collection method: clinical testing. Allele origin: germline. Affected: yes.
Comment: In silico analysis, which includes protein predictors and evolutionary conservation, supports that this variant does not alter protein structure/function; Has not been previously published as pathogenic or benign to our knowledge